The following is an entry in ClinVar:

ClinVar aggregate classification (germline): Uncertain significance. Review status: criteria provided, multiple submitters, no conflicts (2 of 4 stars). 2 submissions from 2 submitters: Uncertain significance (2). Last evaluated 2024-03-13.

gnomAD v4.1: 2 of 1,569,878 alleles (0.00013%); highest among the groups gnomAD compares: Non-Finnish European, 0.00017%; no homozygotes.

Submissions (2):

Labcorp Genetics (formerly Invitae), Labcorp
Classification: Uncertain significance. Last evaluated: 2024-03-13. Review status: criteria provided, single submitter. Criteria: Invitae Variant Classification Sherloc (09022015). Collection method: clinical testing. Allele origin: germline.
Comment: This sequence change replaces valine, which is neutral and non-polar, with isoleucine, which is neutral and non-polar, at codon 409 of the SRP72 protein (p.Val409Ile). This variant is not present in population databases (gnomAD no frequency). This variant has not been reported in the literature in individuals affected with SRP72-related conditions. An algorithm developed to predict the effect of missense changes on protein structure and function (PolyPhen-2) suggests that this variant is likely to be tolerated. Algorithms developed to predict the effect of sequence changes on RNA splicing suggest that this variant may disrupt the consensus splice site. In summary, the available evidence is currently insufficient to determine the role of this variant in disease. Therefore, it has been classified as a Variant of Uncertain Significance.

GeneDx
Classification: Uncertain significance. Last evaluated: 2023-12-27. Review status: criteria provided, single submitter. Criteria: GeneDx Variant Classification Process June 2021. Collection method: clinical testing. Allele origin: germline. Affected: yes.
Comment: Not observed at significant frequency in large population cohorts (gnomAD); In silico analysis supports that this missense variant does not alter protein structure/function; Has not been previously published as pathogenic or benign to our knowledge

NM_006947.4(SRP72):c.1225G>A (p.Val409Ile)

Gene: SRP72 (signal recognition particle 72; plus strand). Cytogenetic location: 4q12.
Variant type: single nucleotide variant.
Coding change: c.1225G>A on transcript NM_006947.4 (MANE Select); coding-DNA position 1225, G replaced by A.
Protein change: p.Val409Ile; replaces valine 409 with isoleucine.
Molecular consequence: missense variant. On other transcripts: non-coding transcript variant (1).
Genome position (GRCh38, 1-based): chr4:56,489,388, G>A. VCF-style: chr4-56489388-G-A. GRCh37 (hg19) VCF-style: chr4-57355554-G-A.
Other names: c.1042G>A, p.Val348Ile (NM_001267722.2); short protein forms V348I, V409I.
Identifiers: ClinVar variation 3340807 (VCV003340807.3).